The following is an entry in ClinVar:

ClinVar aggregate classification (germline): Uncertain significance (1 of 4 stars; one submission).

gnomAD v4.1: 4 of 1,609,090 alleles (0.00025%); highest among the groups gnomAD compares: Non-Finnish European, 0.00034%; no homozygotes.

Submission:

Ambry Genetics
Classification: Uncertain significance. Last evaluated: 2025-09-28. Review status: criteria provided, single submitter. Criteria: Ambry Variant Classification Scheme 2023. Collection method: clinical testing. Allele origin: germline.
Comment: The p.S189G variant (also known as c.565A>G), located in coding exon 4 of the GEN1 gene, results from an A to G substitution at nucleotide position 565. The serine at codon 189 is replaced by glycine, an amino acid with similar properties. This amino acid position is conserved. In addition, this alteration is predicted to be tolerated by in silico analysis. Based on the available evidence, the clinical significance of this variant remains unclear.

NM_001130009.3(GEN1):c.565A>G (p.Ser189Gly)

Gene: GEN1 (GEN1 structure-specific endonuclease; plus strand). Cytogenetic location: 2p24.2.
Variant type: single nucleotide variant.
Coding change: c.565A>G on transcript NM_001130009.3 (MANE Select); coding-DNA position 565, A replaced by G.
Protein change: p.Ser189Gly; replaces serine 189 with glycine.
Molecular consequence: missense variant.
Genome position (GRCh38, 1-based): chr2:17,766,618, A>G. VCF-style: chr2-17766618-A-G. GRCh37 (hg19) VCF-style: chr2-17947885-A-G.
Other names: c.565A>G, p.Ser189Gly (NM_182625.5); short protein forms S189G.
Identifiers: ClinVar variation 4671451 (VCV004671451.1).
Genomic context (GRCh38, chr2:17,766,618, plus strand): 5'-CTAAATCTGTTCTTTCTTTAGGACCCACATGTTGACTGTTACACAATGTCATCTATCAAG[A>G]GTAAACTAGGTTTGGATAGAGATGCTCTGGTTGGATTAGCAATACTTCTTGGCTGTGATT-3'
Protein context (NP_001123481.3, residues 179-199): VDCYTMSSIK[Ser189Gly]KLGLDRDALV